The following is an entry in ClinVar:

NM_001267550.2(TTN):c.100900G>T (p.Asp33634Tyr)

Genes: TTN (titin; minus strand), TTN-AS1 (TTN antisense RNA 1; plus strand). Cytogenetic location: 2q31.2.
Variant type: single nucleotide variant.
Coding change: c.100900G>T on transcript NM_001267550.2 (MANE Select); coding-DNA position 100900, G replaced by T.
Protein change: p.Asp33634Tyr; replaces aspartic acid 33634 with tyrosine.
Molecular consequence: missense variant.
Genome position (GRCh38, 1-based): chr2:178,535,715, C>A on the plus strand (G>T on the coding strand, the complement: TTN is on the minus strand). VCF-style: chr2-178535715-C-A. GRCh37 (hg19) VCF-style: chr2-179400442-C-A.
Other names: c.95977G>T, p.Asp31993Tyr (NM_001256850.1); c.73705G>T, p.Asp24569Tyr (NM_003319.4); c.93196G>T, p.Asp31066Tyr (NM_133378.4); c.74080G>T, p.Asp24694Tyr (NM_133432.3); c.74281G>T, p.Asp24761Tyr (NM_133437.4); short protein forms D31993Y, D24569Y, D24694Y, D24761Y, D33634Y, D31066Y.
Identifiers: ClinVar variation 933330 (VCV000933330.8), dbSNP rs1691138917, ClinGen allele CA349422518.

ClinVar aggregate classification (germline): Uncertain significance (1 of 4 stars; one submission).

Conditions:
Dilated cardiomyopathy 1G (CMD1G). Identifiers: Orphanet 154, MedGen C1858763, MONDO:0011400, OMIM 604145.
Autosomal recessive limb-girdle muscular dystrophy type 2J (LGMDR10). Also called: Limb-girdle muscular dystrophy, type 2J; MUSCULAR DYSTROPHY, LIMB-GIRDLE, AUTOSOMAL RECESSIVE 10. Identifiers: Orphanet 140922, MedGen C1837342, MONDO:0012127, OMIM 608807.

Submission:

Labcorp Genetics (formerly Invitae), Labcorp
Classification: Uncertain significance for Dilated cardiomyopathy 1G; Autosomal recessive limb-girdle muscular dystrophy type 2J. Last evaluated: 2019-07-26. Review status: criteria provided, single submitter. Criteria: Invitae Variant Classification Sherloc (09022015). Collection method: clinical testing. Allele origin: germline.
Comment: This sequence change replaces aspartic acid with tyrosine at codon 33634 of the TTN protein (p.Asp33634Tyr). There is a large physicochemical difference between aspartic acid and tyrosine. This variant is not present in population databases (ExAC no frequency). This variant has not been reported in the literature in individuals with TTN-related conditions. In summary, the available evidence is currently insufficient to determine the role of this variant in disease. Therefore, it has been classified as a Variant of Uncertain Significance. This variant is located in the M band of TTN (PMID: 25589632). Variants in this region may be relevant for neuromuscular disorders, but have not been definitively shown to cause cardiomyopathy (PMID: 23975875). Algorithms developed to predict the effect of missense changes on protein structure and function are unavailable for the TTN gene.

Literature cited by the submitters: PubMed 25589632; PubMed 23975875.